The following is an entry in ClinVar:

NM_003036.4(SKI):c.2177_2181delinsAGCT (p.Leu726fs)

Gene: SKI (SKI proto-oncogene; plus strand). Cytogenetic location: 1p36.32.
Variant type: Indel.
Coding change: c.2177_2181delinsAGCT on transcript NM_003036.4 (MANE Select); coding-DNA positions 2177 to 2181, TGGAG replaced by AGCT.
Protein change: p.Leu726fs; shifts the reading frame from leucine 726.
Molecular consequence: frameshift variant.
Genome position (GRCh38, 1-based): chr1:2,306,755-2,306,759, TGGAG replaced by AGCT. VCF-style: chr1-2306755-TGGAG-AGCT. GRCh37 (hg19) VCF-style: chr1-2238194-TGGAG-AGCT.
Other names: short protein forms L726fs.
Identifiers: ClinVar variation 3252506 (VCV003252506.1), dbSNP rs2521525126.

ClinVar aggregate classification (germline): Uncertain significance (1 of 4 stars; one submission).

Submission:

GeneDx
Classification: Uncertain significance. Last evaluated: 2023-12-07. Review status: criteria provided, single submitter. Criteria: GeneDx Variant Classification Process June 2021. Collection method: clinical testing. Allele origin: germline. Affected: yes.
Comment: Not observed at significant frequency in large population cohorts (gnomAD); Has not been previously published as pathogenic or benign to our knowledge; Frameshift variant predicted to result in abnormal protein length as the last 3 amino acids are replaced with 50 different amino acids in a gene for which loss-of-function is not an established mechanism of disease